The following is an entry in ClinVar:

NM_014053.4(FLVCR1):c.-87G>A

Gene: FLVCR1 (FLVCR choline and heme transporter 1; plus strand). Cytogenetic location: 1q32.3.
Variant type: single nucleotide variant.
Coding change: c.-87G>A on transcript NM_014053.4 (MANE Select); 87 bases upstream of the start codon, G replaced by A.
Molecular consequence: 5 prime UTR variant.
Genome position (GRCh38, 1-based): chr1:212,858,366, G>A. VCF-style: chr1-212858366-G-A. GRCh37 (hg19) VCF-style: chr1-213031708-G-A.
Identifiers: ClinVar variation 295308 (VCV000295308.5), dbSNP rs41296692, ClinGen allele CA10609063.

ClinVar aggregate classification (germline): Likely benign (1 of 4 stars; one submission).

Conditions:
Posterior column ataxia-retinitis pigmentosa syndrome (RETSNS). Also called: RETINOPATHY-SENSORY NEUROPATHY SYNDROME. Identifiers: Orphanet 88628, MedGen C1836916, MONDO:0012177, OMIM 609033.

Allele frequency attached by ClinVar (database versions not stated): gnomAD 0.00374 and 0.00410; 1000 Genomes Project 0.00319; TOPMed 0.00433; 1000 Genomes Project 30x 0.00344.
gnomAD v4.1: 991 of 1,282,250 alleles (0.077%); highest among the groups gnomAD compares: African/African-American, 1.2%; 3 homozygotes.

Submission:

Illumina Laboratory Services, Illumina
Classification: Likely benign for Posterior column ataxia-retinitis pigmentosa syndrome. Last evaluated: 2018-01-13. Review status: criteria provided, single submitter. Criteria: ICSL Variant Classification Criteria 13 December 2019. Collection method: clinical testing. Allele origin: germline.
Comment: This variant was observed in the ICSL laboratory as part of a predisposition screen in an ostensibly healthy population. It had not been previously curated by ICSL or reported in the Human Gene Mutation Database (HGMD: prior to June 1st, 2018), and was therefore a candidate for classification through an automated scoring system. Utilizing variant allele frequency, disease prevalence and penetrance estimates, and inheritance mode, an automated score was calculated to assess if this variant is too frequent to cause the disease. Based on the score and internal cut-off values, a variant classified as likely benign is not then subjected to further curation. The score for this variant resulted in a classification of likely benign for this disease.